The following is an entry in ClinVar:

ClinVar aggregate classification (germline): Uncertain significance (1 of 4 stars; one submission).

gnomAD v4.1: 1 of 1,611,978 alleles (0.000062%); highest among the groups gnomAD compares: Non-Finnish European, 0.000085%; no homozygotes.

Submission:

Ambry Genetics
Classification: Uncertain significance. Last evaluated: 2024-11-08. Review status: criteria provided, single submitter. Criteria: Ambry Variant Classification Scheme 2023. Collection method: clinical testing. Allele origin: germline.
Comment: The p.P2528S variant (also known as c.7582C>T), located in coding exon 29 of the POLQ gene, results from a C to T substitution at nucleotide position 7582. The proline at codon 2528 is replaced by serine, an amino acid with similar properties. This amino acid position is conserved. In addition, this alteration is predicted to be tolerated by in silico analysis. Since supporting evidence is limited at this time, the clinical significance of this alteration remains unclear.

NM_199420.4(POLQ):c.7582C>T (p.Pro2528Ser)

Gene: POLQ (DNA polymerase theta; minus strand). Cytogenetic location: 3q13.33.
Variant type: single nucleotide variant.
Coding change: c.7582C>T on transcript NM_199420.4 (MANE Select); coding-DNA position 7582, C replaced by T.
Protein change: p.Pro2528Ser; replaces proline 2528 with serine.
Molecular consequence: missense variant.
Genome position (GRCh38, 1-based): chr3:121,432,995, G>A on the plus strand (C>T on the coding strand, the complement: POLQ is on the minus strand). VCF-style: chr3-121432995-G-A. GRCh37 (hg19) VCF-style: chr3-121151842-G-A.
Other names: short protein forms P2528S.
Identifiers: ClinVar variation 1759625 (VCV001759625.3), dbSNP rs2047510771, ClinGen allele CA354093875.